The following is an entry in ClinVar:

ClinVar aggregate classification (germline): Uncertain significance. Review status: criteria provided, multiple submitters, no conflicts (2 of 4 stars). 3 submissions from 3 submitters: Uncertain significance (3). Last evaluated 2025-09-28.

gnomAD v4.1: 4 of 1,614,120 alleles (0.00025%); highest among the groups gnomAD compares: Admixed American, 0.0067%; no homozygotes.

Submissions (3):

Labcorp Genetics (formerly Invitae), Labcorp
Classification: Uncertain significance. Last evaluated: 2025-09-28. Review status: criteria provided, single submitter. Criteria: Invitae Variant Classification Sherloc (09022015). Collection method: clinical testing. Allele origin: germline.
Comment: This sequence change replaces isoleucine, which is neutral and non-polar, with leucine, which is neutral and non-polar, at codon 3999 of the RNF213 protein (p.Ile3999Leu). This variant is not present in population databases (gnomAD no frequency). This variant has not been reported in the literature in individuals affected with RNF213-related conditions. ClinVar contains an entry for this variant (Variation ID: 1677329). Invitae Evidence Modeling of protein sequence and biophysical properties (such as structural, functional, and spatial information, amino acid conservation, physicochemical variation, residue mobility, and thermodynamic stability) indicates that this missense variant is not expected to disrupt RNF213 protein function with a negative predictive value of 95%. In summary, the available evidence is currently insufficient to determine the role of this variant in disease. Therefore, it has been classified as a Variant of Uncertain Significance.

AiLife Diagnostics
Classification: Uncertain significance. Last evaluated: 2021-07-08. Review status: criteria provided, single submitter. Criteria: ACMG Guidelines, 2015. Collection method: clinical testing. Allele origin: germline. Affected: yes. Observed: 1 variant allele.

Breakthrough Genomics
Classification: Uncertain significance. Review status: criteria provided, single submitter. Criteria: ACMG Guidelines, 2015. Collection method: not provided. Allele origin: germline. Inheritance: Autosomal recessive inheritance. Affected: yes.

NM_001256071.3(RNF213):c.11995A>C (p.Ile3999Leu)

Genes: RNF213 (ring finger protein 213; plus strand), RNF213-AS1 (RNF213 antisense RNA 1; minus strand). Cytogenetic location: 17q25.3.
Variant type: single nucleotide variant.
Coding change: c.11995A>C on transcript NM_001256071.3 (MANE Select); coding-DNA position 11995, A replaced by C.
Protein change: p.Ile3999Leu; replaces isoleucine 3999 with leucine.
Molecular consequence: missense variant.
Genome position (GRCh38, 1-based): chr17:80,367,983, A>C. VCF-style: chr17-80367983-A-C. GRCh37 (hg19) VCF-style: chr17-78341783-A-C.
Other names: short protein forms I3999L.
Identifiers: ClinVar variation 1677329 (VCV001677329.6), dbSNP rs781152962, ClinGen allele CA294928441.